The following is an entry in ClinVar:

NM_004370.6(COL12A1):c.2762T>C (p.Ile921Thr)

Gene: COL12A1 (collagen type XII alpha 1 chain; minus strand). Cytogenetic location: 6q13.
Variant type: single nucleotide variant.
Coding change: c.2762T>C on transcript NM_004370.6 (MANE Select); coding-DNA position 2762, T replaced by C.
Protein change: p.Ile921Thr; replaces isoleucine 921 with threonine.
Molecular consequence: missense variant. On other transcripts: intron variant (1).
Genome position (GRCh38, 1-based): chr6:75,165,728, A>G on the plus strand (T>C on the coding strand, the complement: COL12A1 is on the minus strand). VCF-style: chr6-75165728-A-G. GRCh37 (hg19) VCF-style: chr6-75875444-A-G.
Other names: c.74-13246T>C (NM_080645.3); short protein forms I921T.
Identifiers: ClinVar variation 1001758 (VCV001001758.11), dbSNP rs1768261723, ClinGen allele CA364758645.

ClinVar aggregate classification (germline): Uncertain significance. Review status: criteria provided, multiple submitters, no conflicts (2 of 4 stars). 2 submissions from 2 submitters: Uncertain significance (2). Last evaluated 2025-09-02.

Conditions:
Ullrich congenital muscular dystrophy 2 (UCMD2). Identifiers: Orphanet 75840, MedGen C4225314, MONDO:0014654, OMIM 616470.
Bethlem myopathy 2 (BTHLM2). Identifiers: Orphanet 536516, Orphanet 610, MedGen C4225313, MONDO:0034022, OMIM 616471.

Allele frequency attached by ClinVar (database versions not stated): gnomAD exomes below 0.00001.
gnomAD v4.1: 1 of 1,613,992 alleles (0.000062%); highest among the groups gnomAD compares: Non-Finnish European, 0.000085%; no homozygotes.

Submissions (2):

Labcorp Genetics (formerly Invitae), Labcorp
Classification: Uncertain significance for Bethlem myopathy 2; Ullrich congenital muscular dystrophy 2. Last evaluated: 2025-09-02. Review status: criteria provided, single submitter. Criteria: Invitae Variant Classification Sherloc (09022015). Collection method: clinical testing. Allele origin: germline.
Comment: This sequence change replaces isoleucine, which is neutral and non-polar, with threonine, which is neutral and polar, at codon 921 of the COL12A1 protein (p.Ile921Thr). This variant is not present in population databases (gnomAD no frequency). This variant has not been reported in the literature in individuals affected with COL12A1-related conditions. ClinVar contains an entry for this variant (Variation ID: 1001758). Invitae Evidence Modeling of protein sequence and biophysical properties (such as structural, functional, and spatial information, amino acid conservation, physicochemical variation, residue mobility, and thermodynamic stability) indicates that this missense variant is not expected to disrupt COL12A1 protein function with a negative predictive value of 80%. In summary, the available evidence is currently insufficient to determine the role of this variant in disease. Therefore, it has been classified as a Variant of Uncertain Significance.

Revvity Omics, Revvity
Classification: Uncertain significance. Last evaluated: 2022-08-18. Review status: criteria provided, single submitter. Criteria: ACMG Guidelines, 2015. Collection method: clinical testing. Allele origin: germline.